The following is an entry in ClinVar:

ClinVar aggregate classification (germline): Uncertain significance (1 of 4 stars; one submission).

gnomAD v4.1: 1 of 1,613,782 alleles (0.000062%); highest among the groups gnomAD compares: Non-Finnish European, 0.000085%; no homozygotes.

Submission:

Labcorp Genetics (formerly Invitae), Labcorp
Classification: Uncertain significance. Last evaluated: 2022-08-10. Review status: criteria provided, single submitter. Criteria: Invitae Variant Classification Sherloc (09022015). Collection method: clinical testing. Allele origin: germline.
Comment: ClinVar contains an entry for this variant (Variation ID: 968691). This variant has not been reported in the literature in individuals affected with RP1-related conditions. This variant is not present in population databases (gnomAD no frequency). This sequence change replaces serine, which is neutral and polar, with cysteine, which is neutral and slightly polar, at codon 676 of the RP1 protein (p.Ser676Cys). In summary, the available evidence is currently insufficient to determine the role of this variant in disease. Therefore, it has been classified as a Variant of Uncertain Significance. Algorithms developed to predict the effect of missense changes on protein structure and function output the following: SIFT: "Deleterious"; PolyPhen-2: "Benign"; Align-GVGD: "Class C15". The cysteine amino acid residue is found in multiple mammalian species, which suggests that this missense change does not adversely affect protein function.

NM_006269.2(RP1):c.2027C>G (p.Ser676Cys)

Gene: RP1 (RP1 axonemal microtubule associated; plus strand). Cytogenetic location: 8q12.1.
Variant type: single nucleotide variant.
Coding change: c.2027C>G on transcript NM_006269.2 (MANE Select); coding-DNA position 2027, C replaced by G.
Protein change: p.Ser676Cys; replaces serine 676 with cysteine.
Molecular consequence: missense variant. On other transcripts: intron variant (1).
Genome position (GRCh38, 1-based): chr8:54,625,909, C>G. VCF-style: chr8-54625909-C-G. GRCh37 (hg19) VCF-style: chr8-55538469-C-G.
Other names: c.787+3621C>G (NM_001375654.1); short protein forms S676C.
Identifiers: ClinVar variation 968691 (VCV000968691.9), dbSNP rs767901469, ClinGen allele CA370992570.
Genomic context (GRCh38, chr8:54,625,909, plus strand): 5'-AACTTCCAAAAAATGAAAAGAAGATTTTGTCATCTGTTGCCAGCAAAAAGAAGAAAAAAT[C>G]TCGACAGCAAGCAATAAATTCCAGGTATCAAGATGGACAGCTTGCAACCAAAGGAATTCT-3'
Protein context (NP_006260.1, residues 666-686): SSVASKKKKK[Ser676Cys]RQQAINSRYQ